The following is an entry in ClinVar:

ClinVar aggregate classification (germline): Uncertain significance (1 of 4 stars; one submission).

Conditions:
Intellectual developmental disorder, autosomal recessive 5. Also called: Intellectual disability, autosomal recessive 5. Identifiers: Orphanet 88616, MedGen C1970199, MONDO:0012613, OMIM 611091.

Allele frequency attached by ClinVar (database versions not stated): gnomAD exomes below 0.00001.
gnomAD v4.1: 4 of 1,610,518 alleles (0.00025%); highest among the groups gnomAD compares: Non-Finnish European, 0.00034%; no homozygotes.

Submission:

Baylor Genetics
Classification: Uncertain significance for Intellectual developmental disorder, autosomal recessive 5. Last evaluated: 2018-02-07. Review status: criteria provided, single submitter. Criteria: ACMG Guidelines, 2015. Collection method: clinical testing. Allele origin: unknown. Affected: yes.
Comment: This variant was determined to be of uncertain significance according to ACMG Guidelines, 2015 [PMID:25741868].

NM_017755.6(NSUN2):c.767G>A (p.Arg256Lys)

Gene: NSUN2 (NOP2/Sun RNA methyltransferase 2; minus strand). Cytogenetic location: 5p15.31.
Variant type: single nucleotide variant.
Coding change: c.767G>A on transcript NM_017755.6 (MANE Select); coding-DNA position 767, G replaced by A.
Protein change: p.Arg256Lys; replaces arginine 256 with lysine.
Molecular consequence: missense variant. On other transcripts: non-coding transcript variant (1).
Genome position (GRCh38, 1-based): chr5:6,620,154, C>T on the plus strand (G>A on the coding strand, the complement: NSUN2 is on the minus strand). VCF-style: chr5-6620154-C-T. GRCh37 (hg19) VCF-style: chr5-6620267-C-T.
Other names: c.662G>A, p.Arg221Lys (NM_001193455.2); short protein forms R221K, R256K.
Identifiers: ClinVar variation 1031998 (VCV001031998.1), dbSNP rs1456146368, ClinGen allele CA359125291.